The following is an entry in ClinVar:

NM_000807.4(GABRA2):c.197C>T (p.Thr66Ile)

Gene: GABRA2 (gamma-aminobutyric acid type A receptor subunit alpha2; minus strand). Cytogenetic location: 4p12.
Variant type: single nucleotide variant.
Coding change: c.197C>T on transcript NM_000807.4 (MANE Select); coding-DNA position 197, C replaced by T.
Protein change: p.Thr66Ile; replaces threonine 66 with isoleucine.
Molecular consequence: missense variant. On other transcripts: intron variant (4).
Genome position (GRCh38, 1-based): chr4:46,332,673, G>A on the plus strand (C>T on the coding strand, the complement: GABRA2 is on the minus strand). VCF-style: chr4-46332673-G-A. GRCh37 (hg19) VCF-style: chr4-46334690-G-A.
Other names: c.197C>T, p.Thr66Ile (NM_001114175.3, NM_001330690.2, NM_001377144.1 and 8 more transcripts); c.91-19957C>T (NM_001377154.1, NM_001377152.1, NM_001286827.3 and 1 more transcripts); short protein forms T66I.
Identifiers: ClinVar variation 3342660 (VCV003342660.1).

ClinVar aggregate classification (germline): Likely pathogenic (1 of 4 stars; one submission).

gnomAD v4.1: 1 of 1,567,078 alleles (0.000064%); highest among the groups gnomAD compares: Non-Finnish European, 0.000088%; no homozygotes.

Submission:

GeneDx
Classification: Likely pathogenic. Last evaluated: 2022-10-09. Review status: criteria provided, single submitter. Criteria: GeneDx Variant Classification Process June 2021. Collection method: clinical testing. Allele origin: germline. Affected: yes.
Comment: Not observed at significant frequency in large population cohorts (gnomAD); In silico analysis supports that this missense variant has a deleterious effect on protein structure/function; Has not been previously published as pathogenic or benign to our knowledge